The following is an entry in ClinVar:

NM_000545.8(HNF1A):c.1217C>T (p.Ala406Val)

Gene: HNF1A (HNF1 homeobox A; plus strand). Cytogenetic location: 12q24.31.
Variant type: single nucleotide variant.
Coding change: c.1217C>T on transcript NM_000545.8 (MANE Select); coding-DNA position 1217, C replaced by T.
Protein change: p.Ala406Val; replaces alanine 406 with valine.
Molecular consequence: missense variant.
Genome position (GRCh38, 1-based): chr12:120,996,650, C>T. VCF-style: chr12-120996650-C-T. GRCh37 (hg19) VCF-style: chr12-121434453-C-T.
Other names: c.1217C>T, p.Ala406Val (NM_001306179.2, NM_001406915.1); short protein forms A406V.
Identifiers: ClinVar variation 3384229 (VCV003384229.1).

ClinVar aggregate classification (germline): Likely pathogenic. Review status: reviewed by expert panel (3 of 4 stars). 2 submissions from 2 submitters: Likely pathogenic (1). 1 of the submissions does not count toward it. Last evaluated 2025-11-21.

Conditions:
Maturity-onset diabetes of the young type 3. Also called: MODY type 3; MODY, type III. Identifiers: Orphanet 552, MedGen C1838100, MeSH C563933, MONDO:0010894, OMIM 600496. Disease mechanism: loss of function.
Monogenic diabetes. Identifiers: Orphanet 183625, MedGen C3888631, MONDO:0015967.

Submissions (2):

ClinGen Monogenic Diabetes Variant Curation Expert Panel
Classification: Likely pathogenic for Monogenic diabetes. Last evaluated: 2025-11-21. Review status: reviewed by expert panel. Criteria: ClinGen Diabetes ACMG Specifications HNF1A V3.1.0. Collection method: curation. Allele origin: germline. Inheritance: Autosomal dominant inheritance.
Comment: The c.1217C>T variant in the HNF1 homeobox A gene, HNF1A, causes an amino acid change of alanine to valine at codon 406 (p.(Ala406Val)) of NM_000545.8. This variant is absent from gnomAD v4.1.0 (PM2_Supporting). This variant is predicted to be deleterious by computational evidence, with a REVEL score of 0.797, which is greater than the MDEP VCEP threshold of 0.70 (PP3). This variant segregated with diabetes with four informative meioses in two families (PP1_Strong; ClinVar: SCV005421129.1, internal lab contributors). This variant was identified in two unrelated individuals with non-autoimmune and non-absolute/near-absolute insulin-deficient diabetes; however, PS4_Moderate cannot be applied because this number is below the ClinGen MDEP threshold, and PP4 cannot be applied because the calculated MODY probability is <50% or there is insufficient clinical data to use the MODY probability calculator (ClinVar: SCV005421129.1, internal lab contributors). In summary, c.1217C>T meets the criteria to be classified as likely pathogenic for monogenic diabetes. ACMG/AMP criteria applied, as specified by the ClinGen MDEP (specification version 3.1.0, approved 10/10/2025): PP1_Strong, PM2_Supporting, PP3.

Department of Clinical Genetics, Medical University of Lodz
Classification: Likely pathogenic for Maturity-onset diabetes of the young type 3. Last evaluated: 2024-12-11. Review status: criteria provided, single submitter. Criteria: ACMG Guidelines, 2015. Collection method: clinical testing. Allele origin: germline. Inheritance: Autosomal dominant inheritance. Affected: yes. Observed: 2 variant alleles. Not counted in ClinVar's aggregate classification.
Comment: Segregation in family with disease specific for gene, WES data exclude other genetic factors.

Literature cited by the submitters: DOI 10.1038/gim.2015.30 (cited by Department of Clinical Genetics, Medical University of Lodz).